The following is an entry in ClinVar:

NM_000397.4(CYBB):c.897+6G>A

Gene: CYBB (cytochrome b-245 beta chain; plus strand). Cytogenetic location: Xp11.4.
Variant type: single nucleotide variant.
Coding change: c.897+6G>A on transcript NM_000397.4 (MANE Select); 6 bases into the intron after coding-DNA position 897, G replaced by A.
Molecular consequence: intron variant.
Genome position (GRCh38, 1-based): chrX:37,801,354, G>A. VCF-style: chrX-37801354-G-A. GRCh37 (hg19) VCF-style: chrX-37660607-G-A.
Identifiers: ClinVar variation 2981575 (VCV002981575.3), dbSNP rs2519206750, ClinGen allele CA913184095.

ClinVar aggregate classification (germline): Uncertain significance (1 of 4 stars; one submission).

Conditions:
Granulomatous disease, chronic, X-linked. Also called: CYTOCHROME b-NEGATIVE GRANULOMATOUS DISEASE, CHRONIC, X-LINKED; GRANULOMATOUS DISEASE, CHRONIC, X-LINKED, SOMATIC MOSAIC. Identifiers: Orphanet 379, MedGen C1844376, MONDO:0010600, OMIM 306400.

Submission:

Labcorp Genetics (formerly Invitae), Labcorp
Classification: Uncertain significance for Granulomatous disease, chronic, X-linked. Last evaluated: 2023-08-31. Review status: criteria provided, single submitter. Criteria: Invitae Variant Classification Sherloc (09022015). Collection method: clinical testing. Allele origin: germline.
Comment: Variants that disrupt the consensus splice site are a relatively common cause of aberrant splicing (PMID: 17576681, 9536098). Algorithms developed to predict the effect of sequence changes on RNA splicing suggest that this variant is not likely to affect RNA splicing. In summary, the available evidence is currently insufficient to determine the role of this variant in disease. Therefore, it has been classified as a Variant of Uncertain Significance. This sequence change falls in intron 8 of the CYBB gene. It does not directly change the encoded amino acid sequence of the CYBB protein. It affects a nucleotide within the consensus splice site. This variant is not present in population databases (gnomAD no frequency). This variant has not been reported in the literature in individuals affected with CYBB-related conditions.

Literature cited by the submitters: PubMed 17576681; PubMed 9536098.